The following is an entry in ClinVar:

ClinVar aggregate classification (germline): Uncertain significance (1 of 4 stars; one submission).

Submission:

Women's Health and Genetics/Laboratory Corporation of America, LabCorp
Classification: Uncertain significance. Last evaluated: 2025-05-22. Review status: criteria provided, single submitter. Criteria: LabCorp Variant Classification Summary - May 2015. Collection method: clinical testing. Allele origin: germline.
Comment: Variant summary: OCA2 c.2360C>G (p.Ala787Gly) results in a non-conservative amino acid change in the encoded protein sequence. Algorithms developed to predict the effect of missense changes on protein structure and function all suggest that this variant is likely to be disruptive. The variant was absent in 251466 control chromosomes. The available data on variant occurrences in the general population are insufficient to allow any conclusion about variant significance. To our knowledge, no occurrence of c.2360C>G in individuals affected with Oculocutaneous Albinism and no experimental evidence demonstrating its impact on protein function have been reported. A different variant affecting the same codon has been classified as likely pathogenic/pathogenic by our lab (c.2359G>A,p.Ala763Gly), supporting the critical relevance of codon 787 to OCA2 protein function. No submitters have cited clinical-significance assessments for this variant to ClinVar. Based on the evidence outlined above, the variant was classified as uncertain significance.

NM_000275.3(OCA2):c.2360C>G (p.Ala787Gly)

Gene: OCA2 (OCA2 melanosomal transmembrane protein; minus strand). Cytogenetic location: 15q13.1.
Variant type: single nucleotide variant.
Coding change: c.2360C>G on transcript NM_000275.3 (MANE Select); coding-DNA position 2360, C replaced by G.
Protein change: p.Ala787Gly; replaces alanine 787 with glycine.
Molecular consequence: missense variant.
Genome position (GRCh38, 1-based): chr15:27,845,031, G>C on the plus strand (C>G on the coding strand, the complement: OCA2 is on the minus strand). VCF-style: chr15-27845031-G-C. GRCh37 (hg19) VCF-style: chr15-28090177-G-C.
Other names: c.2288C>G, p.Ala763Gly (NM_001300984.2); short protein forms A763G, A787G.
Identifiers: ClinVar variation 3902748 (VCV003902748.1).